The following is an entry in ClinVar:

NM_019066.5(MAGEL2):c.1270C>T (p.Arg424Cys)

Gene: MAGEL2 (MAGE family member L2; minus strand). Cytogenetic location: 15q11.2.
Variant type: single nucleotide variant.
Coding change: c.1270C>T on transcript NM_019066.5 (MANE Select); coding-DNA position 1270, C replaced by T.
Protein change: p.Arg424Cys; replaces arginine 424 with cysteine.
Molecular consequence: missense variant.
Genome position (GRCh38, 1-based): chr15:23,646,473, G>A on the plus strand (C>T on the coding strand, the complement: MAGEL2 is on the minus strand). VCF-style: chr15-23646473-G-A. GRCh37 (hg19) VCF-style: chr15-23891620-G-A.
Other names: c.1270C>T (NM_019066.4); short protein forms R424C.
Identifiers: ClinVar variation 1918006 (VCV001918006.6), dbSNP rs1265603168, ClinGen allele CA391334693.

ClinVar aggregate classification (germline): Uncertain significance. Review status: criteria provided, multiple submitters, no conflicts (2 of 4 stars). 3 submissions from 3 submitters: Uncertain significance (2). 1 of the submissions does not count toward it. Last evaluated 2024-03-13.

Conditions:
MAGEL2-related disorder. Also called: MAGEL2-related condition.

Allele frequency attached by ClinVar (database versions not stated): gnomAD exomes below 0.00001.
gnomAD v4.1: 3 of 1,439,720 alleles (0.00021%); highest among the groups gnomAD compares: Middle Eastern, 0.025%; no homozygotes.

Submissions (3):

Labcorp Genetics (formerly Invitae), Labcorp
Classification: Uncertain significance. Last evaluated: 2024-03-13. Review status: criteria provided, single submitter. Criteria: Invitae Variant Classification Sherloc (09022015). Collection method: clinical testing. Allele origin: germline.
Comment: This sequence change replaces arginine, which is basic and polar, with cysteine, which is neutral and slightly polar, at codon 424 of the MAGEL2 protein (p.Arg424Cys). This variant is not present in population databases (gnomAD no frequency). This variant has not been reported in the literature in individuals affected with MAGEL2-related conditions. ClinVar contains an entry for this variant (Variation ID: 1918006). Experimental studies and prediction algorithms are not available or were not evaluated, and the functional significance of this variant is currently unknown. In summary, the available evidence is currently insufficient to determine the role of this variant in disease. Therefore, it has been classified as a Variant of Uncertain Significance.

GeneDx
Classification: Uncertain significance. Last evaluated: 2023-06-08. Review status: criteria provided, single submitter. Criteria: GeneDx Variant Classification Process June 2021. Collection method: clinical testing. Allele origin: germline. Affected: yes.
Comment: Not observed at significant frequency in large population cohorts (gnomAD); In silico analysis supports that this missense variant has a deleterious effect on protein structure/function; Has not been previously published as pathogenic or benign to our knowledge

PreventionGenetics, part of Exact Sciences
Classification: Uncertain significance for MAGEL2-related condition. Last evaluated: 2024-01-04. Review status: no assertion criteria provided. Collection method: clinical testing. Allele origin: germline. Not counted in ClinVar's aggregate classification.
Comment: The MAGEL2 c.1270C>T variant is predicted to result in the amino acid substitution p.Arg424Cys. To our knowledge, this variant has not been reported in the literature or in a large population database, indicating this variant is rare. At this time, the clinical significance of this variant is uncertain due to the absence of conclusive functional and genetic evidence.